The following is an entry in ClinVar:

NM_014946.4(SPAST):c.1004+3_1004+6del

Gene: SPAST (spastin; plus strand). Cytogenetic location: 2p22.3.
Variant type: Microsatellite.
Coding change: c.1004+3_1004+6del on transcript NM_014946.4 (MANE Select); bases 3 to 6 of the intron after coding-DNA position 1004, 4 bases deleted (AAGT; older notation c.1004+3_1004+6delAAGT).
Molecular consequence: splice donor variant.
Genome position (GRCh38, 1-based): chr2:32,115,838-32,115,841, AAGT deleted; deleting any 4 consecutive bases within chr2:32,115,834-32,115,841 gives the same sequence; the c. name uses the placement nearest the transcript's 3' end. VCF-style (leftmost placement, unchanged base first): chr2-32115833-CAAGT-C. GRCh37 (hg19) VCF-style: chr2-32340902-CAAGT-C.
Other names: c.1004+3_1004+6delAAGT (NM_014946.3); c.908+3_908+6del (NM_199436.2, NM_001377959.1); c.1001+3_1001+6del (NM_001363823.2); c.905+3_905+6del (NM_001363875.2).
Identifiers: ClinVar variation 448437 (VCV000448437.11), dbSNP rs1553315234, ClinGen allele CA658657019.
Genomic context (GRCh38, chr2:32,115,833, plus strand): 5'-GAAGAATTTTAGGAATGTGGACAGCAACCTTGCTAACCTTATAATGAATGAAATTGTGGA[CAAGT>C]AAGTTTTGCCATCTAAATGTTTTATTTTATAGTTTTTATATTTTAATTTTACTTATAAAA-3'

ClinVar aggregate classification (germline): Conflicting classifications of pathogenicity. Review status: criteria provided, conflicting classifications (1 of 4 stars). 2 submissions from 2 submitters: Pathogenic (1); Uncertain significance (1). Last evaluated 2025-07-22.

Conditions:
Hereditary spastic paraplegia 4. Also called: Spastic Paraplegia 4; Familial spastic paraplegia autosomal dominant 2; Spastic paraplegia 4, autosomal dominant. Identifiers: Orphanet 100985, MedGen C1866855, MONDO:0008438, OMIM 182601.

Submissions (2):

Labcorp Genetics (formerly Invitae), Labcorp
Classification: Pathogenic for Hereditary spastic paraplegia 4. Last evaluated: 2025-07-22. Review status: criteria provided, single submitter. Criteria: Invitae Variant Classification Sherloc (09022015). Collection method: clinical testing. Allele origin: germline.
Comment: This sequence change falls in intron 6 of the SPAST gene. It does not directly change the encoded amino acid sequence of the SPAST protein. It affects a nucleotide within the consensus splice site. This variant is not present in population databases (gnomAD no frequency). This variant has been observed in individuals with clinical features of SPAST-related disease (internal data). Invitae Evidence Modeling of clinical and family history, age, sex, and reported ancestry of multiple individuals with this SPAST variant has been performed. This variant is expected to be pathogenic with a positive predictive value of at least 99%. This is a validated machine learning model that incorporates the clinical features of 4,195 individuals referred to our laboratory for SPAST testing. ClinVar contains an entry for this variant (Variation ID: 448437). Variants that disrupt the consensus splice site are a relatively common cause of aberrant splicing (PMID: 17576681, 9536098). Algorithms developed to predict the effect of sequence changes on RNA splicing suggest that this variant may disrupt the consensus splice site. This variant disrupts the c.1004+3A nucleotide in the SPAST gene. Other variant(s) that disrupt this nucleotide have been determined to be pathogenic (PMID: 28870597). This suggests that this nucleotide is clinically significant, and that variants that disrupt this position are likely to be disease-causing. For these reasons, this variant has been classified as Pathogenic.

Athena Diagnostics
Classification: Uncertain significance. Last evaluated: 2017-06-13. Review status: criteria provided, single submitter. Criteria: Athena Diagnostics Criteria. Collection method: clinical testing. Allele origin: germline.

Literature cited by the submitters: PubMed 17576681 (cited by Labcorp Genetics (formerly Invitae), Labcorp); PubMed 9536098 (cited by Labcorp Genetics (formerly Invitae), Labcorp); PubMed 28870597 (cited by Labcorp Genetics (formerly Invitae), Labcorp).